The following is an entry in ClinVar:

NM_018648.4(NOP10):c.11A>G (p.Gln4Arg)

Gene: NOP10 (NOP10 ribonucleoprotein; minus strand). Cytogenetic location: 15q14.
Variant type: single nucleotide variant.
Coding change: c.11A>G on transcript NM_018648.4 (MANE Select); coding-DNA position 11, A replaced by G.
Protein change: p.Gln4Arg; replaces glutamine 4 with arginine.
Molecular consequence: missense variant.
Genome position (GRCh38, 1-based): chr15:34,343,063, T>C on the plus strand (A>G on the coding strand, the complement: NOP10 is on the minus strand). VCF-style: chr15-34343063-T-C. GRCh37 (hg19) VCF-style: chr15-34635264-T-C.
Other names: short protein forms Q4R.
Identifiers: ClinVar variation 3667900 (VCV003667900.2).

ClinVar aggregate classification (germline): Uncertain significance (1 of 4 stars; one submission).

Conditions:
Dyskeratosis congenita, autosomal recessive 1. Identifiers: Orphanet 1775, MedGen C1857144, MONDO:0009136, OMIM 224230.

Submission:

Labcorp Genetics (formerly Invitae), Labcorp
Classification: Uncertain significance for Dyskeratosis congenita, autosomal recessive 1. Last evaluated: 2024-11-05. Review status: criteria provided, single submitter. Criteria: Invitae Variant Classification Sherloc (09022015). Collection method: clinical testing. Allele origin: germline.
Comment: This sequence change replaces glutamine, which is neutral and polar, with arginine, which is basic and polar, at codon 4 of the NOP10 protein (p.Gln4Arg). This variant is present in population databases (no rsID available, gnomAD 0.01%). This variant has not been reported in the literature in individuals affected with NOP10-related conditions. An algorithm developed to predict the effect of missense changes on protein structure and function (PolyPhen-2) suggests that this variant is likely to be disruptive. In summary, the available evidence is currently insufficient to determine the role of this variant in disease. Therefore, it has been classified as a Variant of Uncertain Significance.